The following is an entry in ClinVar:

ClinVar aggregate classification (germline): Pathogenic/Likely pathogenic. Review status: criteria provided, multiple submitters, no conflicts (2 of 4 stars). 3 submissions from 3 submitters: Pathogenic (1); Likely pathogenic (2). Last evaluated 2026-02-10.

Conditions:
Congenital myotonia, autosomal recessive form. Also called: BECKER DISEASE; Becker Generalized Myotonia; myotonia congenita, autosomal recessive. Identifiers: Orphanet 614, MedGen C0751360, MONDO:0009715, OMIM 255700.
Skeletal muscle channelopathy.

gnomAD v4.1: 1 of 1,614,168 alleles (0.000062%); highest among the groups gnomAD compares: South Asian, 0.0011%; no homozygotes.

Submissions (3):

Genetics Laboratory, Great Ormond Street Hospital NHS Foundation Trust, North Thames Genomic Laboratory Hub
Classification: Pathogenic for Skeletal muscle channelopathy. Last evaluated: 2026-02-10. Review status: criteria provided, single submitter. Criteria: ACGS Best Practice Guidelines for Variant Classification in Rare Disease 2024 v1.2. Collection method: clinical testing. Allele origin: germline. Affected: yes.
Comment: PM2_moderate, PP3_supporting, PM5_supporting, PS3_strong, PM1_supporting, PM3_moderate

Women's Health and Genetics/Laboratory Corporation of America, LabCorp
Classification: Likely pathogenic for Congenital myotonia, autosomal recessive form. Last evaluated: 2025-07-10. Review status: criteria provided, single submitter. Criteria: LabCorp Variant Classification Summary - May 2015. Collection method: clinical testing. Allele origin: germline.
Comment: Variant summary: CLCN1 c.1696G>A (p.Ala566Thr) results in a non-conservative amino acid change in the encoded protein sequence. Algorithms developed to predict the effect of missense changes on protein structure and function all suggest that this variant is likely to be disruptive. The variant allele was found at a frequency of 4e-06 in 251004 control chromosomes. c.1696G>A has been observed in individual(s) affected with Myotonia congenita (Fialho_2007, Suetterlin_2021, Vivekanandam_2023). These data indicate that the variant may be associated with disease. To our knowledge, no experimental evidence demonstrating an impact on protein function has been reported. Other variant(s) that disrupt this residue has been classified Pathogenic (Variation ID: 1299097). The following publications have been ascertained in the context of this evaluation (PMID: 17932099, 34529042, 36796140). ClinVar contains an entry for this variant (Variation ID: 3384339). Based on the evidence outlined above, the variant was classified as likely pathogenic.

GeneDx
Classification: Likely pathogenic. Last evaluated: 2024-06-06. Review status: criteria provided, single submitter. Criteria: GeneDx Variant Classification Process June 2021. Collection method: clinical testing. Allele origin: germline. Affected: yes.
Comment: In silico analysis supports that this missense variant has a deleterious effect on protein structure/function; Not observed at significant frequency in large population cohorts (gnomAD); This variant is associated with the following publications: (PMID: 34529042, 17932099, 36796140, 24349310)

Literature cited by the submitters: PubMed 34529042 (cited by Women's Health and Genetics/Laboratory Corporation of America, LabCorp); PubMed 36796140 (cited by Women's Health and Genetics/Laboratory Corporation of America, LabCorp); PubMed 17932099 (cited by Women's Health and Genetics/Laboratory Corporation of America, LabCorp).

NM_000083.3(CLCN1):c.1696G>A (p.Ala566Thr)

Gene: CLCN1 (chloride voltage-gated channel 1; plus strand). Cytogenetic location: 7q34.
Variant type: single nucleotide variant.
Coding change: c.1696G>A on transcript NM_000083.3 (MANE Select); coding-DNA position 1696, G replaced by A.
Protein change: p.Ala566Thr; replaces alanine 566 with threonine.
Molecular consequence: missense variant. On other transcripts: non-coding transcript variant (1).
Genome position (GRCh38, 1-based): chr7:143,342,042, G>A. VCF-style: chr7-143342042-G-A. GRCh37 (hg19) VCF-style: chr7-143039135-G-A.
Other names: short protein forms A566T.
Identifiers: ClinVar variation 3384339 (VCV003384339.4).